The following is an entry in ClinVar:

NM_000346.4(SOX9):c.440A>C (p.Asn147Thr)

Gene: SOX9 (SRY-box transcription factor 9; plus strand). Cytogenetic location: 17q24.3.
Variant type: single nucleotide variant.
Coding change: c.440A>C on transcript NM_000346.4 (MANE Select); coding-DNA position 440, A replaced by C.
Protein change: p.Asn147Thr; replaces asparagine 147 with threonine.
Molecular consequence: missense variant.
Genome position (GRCh38, 1-based): chr17:72,122,727, A>C. VCF-style: chr17-72122727-A-C. GRCh37 (hg19) VCF-style: chr17-70118868-A-C.
Other names: short protein forms N147T.
Identifiers: ClinVar variation 2149164 (VCV002149164.4), dbSNP rs547222137, ClinGen allele CA293782136.

ClinVar aggregate classification (germline): Uncertain significance (1 of 4 stars; one submission).

Conditions:
Camptomelic dysplasia (CMPD). Also called: Campomelic Dysplasia; CMPD1/SRA1. Identifiers: Orphanet 140, MedGen C1861922, MONDO:0007251, OMIM 114290.

Allele frequency attached by ClinVar (database versions not stated): gnomAD exomes below 0.00001; gnomAD 0.00001; 1000 Genomes Project 0.00020; 1000 Genomes Project 30x 0.00031.

Submission:

Labcorp Genetics (formerly Invitae), Labcorp
Classification: Uncertain significance for Camptomelic dysplasia. Last evaluated: 2024-08-13. Review status: criteria provided, single submitter. Criteria: Invitae Variant Classification Sherloc (09022015). Collection method: clinical testing. Allele origin: germline.
Comment: This sequence change replaces asparagine, which is neutral and polar, with threonine, which is neutral and polar, at codon 147 of the SOX9 protein (p.Asn147Thr). This variant is not present in population databases (gnomAD no frequency). This variant has not been reported in the literature in individuals affected with SOX9-related conditions. ClinVar contains an entry for this variant (Variation ID: 2149164). Invitae Evidence Modeling of protein sequence and biophysical properties (such as structural, functional, and spatial information, amino acid conservation, physicochemical variation, residue mobility, and thermodynamic stability) indicates that this missense variant is not expected to disrupt SOX9 protein function with a negative predictive value of 80%. In summary, the available evidence is currently insufficient to determine the role of this variant in disease. Therefore, it has been classified as a Variant of Uncertain Significance.